The following is an entry in ClinVar:

NM_000747.3(CHRNB1):c.530C>T (p.Ser177Leu)

Gene: CHRNB1 (cholinergic receptor nicotinic beta 1 subunit; plus strand). Cytogenetic location: 17p13.1.
Variant type: single nucleotide variant.
Coding change: c.530C>T on transcript NM_000747.3 (MANE Select); coding-DNA position 530, C replaced by T.
Protein change: p.Ser177Leu; replaces serine 177 with leucine.
Molecular consequence: missense variant.
Genome position (GRCh38, 1-based): chr17:7,447,570, C>T. VCF-style: chr17-7447570-C-T. GRCh37 (hg19) VCF-style: chr17-7350889-C-T.
Other names: c.530C>T (NM_000747.2); short protein forms S177L.
Identifiers: ClinVar variation 1489799 (VCV001489799.7), dbSNP rs760659917, ClinGen allele CA8347806.

ClinVar aggregate classification (germline): Uncertain significance. Review status: criteria provided, multiple submitters, no conflicts (2 of 4 stars). 2 submissions from 2 submitters: Uncertain significance (2). Last evaluated 2025-08-23.

Conditions:
Inborn genetic diseases. Identifiers: MedGen C0950123, MeSH D030342.
Congenital myasthenic syndrome 2A. Also called: Myasthenic syndrome, congenital, 2a, slow-channel. Identifiers: Orphanet 590, MedGen C4225374, MONDO:0014581, OMIM 616313.

Allele frequency attached by ClinVar (database versions not stated): gnomAD 0.00001; gnomAD exomes 0.00001 and 0.00002; TOPMed 0.00001; ExAC 0.00002.
gnomAD v4.1: 17 of 1,614,032 alleles (0.0011%); highest among the groups gnomAD compares: Non-Finnish European, 0.0014%; no homozygotes.

Submissions (2):

Ambry Genetics
Classification: Uncertain significance for Inborn genetic diseases. Last evaluated: 2025-08-23. Review status: criteria provided, single submitter. Criteria: Ambry Variant Classification Scheme 2023. Collection method: clinical testing. Allele origin: germline.

Labcorp Genetics (formerly Invitae), Labcorp
Classification: Uncertain significance for Congenital myasthenic syndrome 2A. Last evaluated: 2024-10-22. Review status: criteria provided, single submitter. Criteria: Invitae Variant Classification Sherloc (09022015). Collection method: clinical testing. Allele origin: germline.
Comment: This sequence change replaces serine, which is neutral and polar, with leucine, which is neutral and non-polar, at codon 177 of the CHRNB1 protein (p.Ser177Leu). This variant is present in population databases (rs760659917, gnomAD 0.003%). This variant has not been reported in the literature in individuals affected with CHRNB1-related conditions. ClinVar contains an entry for this variant (Variation ID: 1489799). Invitae Evidence Modeling of protein sequence and biophysical properties (such as structural, functional, and spatial information, amino acid conservation, physicochemical variation, residue mobility, and thermodynamic stability) indicates that this missense variant is not expected to disrupt CHRNB1 protein function with a negative predictive value of 80%. In summary, the available evidence is currently insufficient to determine the role of this variant in disease. Therefore, it has been classified as a Variant of Uncertain Significance.